The following is an entry in ClinVar:

ClinVar aggregate classification (germline): Likely benign (1 of 4 stars; one submission).

Allele frequency attached by ClinVar (database versions not stated): TOPMed below 0.00001; gnomAD 0.00001.
gnomAD v4.1: 13 of 1,605,606 alleles (0.00081%); highest among the groups gnomAD compares: Admixed American, 0.0017%; no homozygotes.

Submission:

CeGaT Center for Human Genetics Tuebingen
Classification: Likely benign. Last evaluated: 2024-06-01. Review status: criteria provided, single submitter. Criteria: CeGaT Center For Human Genetics Tuebingen Variant Classification Criteria Version 2. Collection method: clinical testing. Allele origin: germline. Affected: yes. Observed: 1 variant allele.
Comment: WDR81: BP4, BP7

NM_001163809.2(WDR81):c.4611C>T (p.Gly1537=)

Gene: WDR81 (WD repeat domain 81; plus strand). Cytogenetic location: 17p13.3.
Variant type: single nucleotide variant.
Coding change: c.4611C>T on transcript NM_001163809.2 (MANE Select); coding-DNA position 4611, C replaced by T.
Protein change: p.Gly1537=; no amino-acid change (glycine 1537 retained).
Molecular consequence: synonymous variant.
Genome position (GRCh38, 1-based): chr17:1,733,648, C>T. VCF-style: chr17-1733648-C-T. GRCh37 (hg19) VCF-style: chr17-1636942-C-T.
Other names: c.1002C>T, p.Gly334= (NM_001163673.2); c.930C>T, p.Gly310= (NM_001163811.2); c.1458C>T, p.Gly486= (NM_152348.4).
Identifiers: ClinVar variation 3250646 (VCV003250646.18), dbSNP rs763115674.